The following is an entry in ClinVar:

NM_002528.7(NTHL1):c.394A>G (p.Ser132Gly)

Gene: NTHL1 (nth like DNA glycosylase 1; minus strand). Cytogenetic location: 16p13.3.
Variant type: single nucleotide variant.
Coding change: c.394A>G on transcript NM_002528.7 (MANE Select); coding-DNA position 394, A replaced by G.
Protein change: p.Ser132Gly; replaces serine 132 with glycine.
Molecular consequence: missense variant. On other transcripts: intron variant (1).
Genome position (GRCh38, 1-based): chr16:2,044,761, T>C on the plus strand (A>G on the coding strand, the complement: NTHL1 is on the minus strand). VCF-style: chr16-2044761-T-C. GRCh37 (hg19) VCF-style: chr16-2094762-T-C.
Other names: c.64A>G, p.Ser22Gly (NM_001318194.2); c.355-1035A>G (NM_001318193.2); c.418A>G (NM_002528.5); short protein forms S132G, S22G.
Identifiers: ClinVar variation 839378 (VCV000839378.9), dbSNP rs2084319238, ClinGen allele CA394294595.

ClinVar aggregate classification (germline): Uncertain significance. Review status: criteria provided, multiple submitters, no conflicts (2 of 4 stars). 2 submissions from 2 submitters: Uncertain significance (2). Last evaluated 2026-07-07.

Conditions:
Hereditary cancer-predisposing syndrome. Also called: Tumor predisposition; Hereditary neoplastic syndrome; Neoplastic Syndromes, Hereditary; Hereditary Cancer Syndrome. Identifiers: Orphanet 140162, MedGen C0027672, MeSH D009386, MONDO:0015356.

Submissions (2):

Ambry Genetics
Classification: Uncertain significance for Hereditary cancer-predisposing syndrome. Last evaluated: 2026-07-07. Review status: criteria provided, single submitter. Criteria: Ambry Variant Classification Scheme 2023. Collection method: clinical testing. Allele origin: germline.
Comment: The p.S140G variant (also known as c.418A>G), located in coding exon 3 of the NTHL1 gene, results from an A to G substitution at nucleotide position 418. The serine at codon 140 is replaced by glycine, an amino acid with similar properties. This amino acid position is conserved. In addition, this alteration is predicted to be deleterious by in silico analysis. Based on the available evidence, the clinical significance of this variant remains unclear.

Labcorp Genetics (formerly Invitae), Labcorp
Classification: Uncertain significance. Last evaluated: 2019-12-13. Review status: criteria provided, single submitter. Criteria: Invitae Variant Classification Sherloc (09022015). Collection method: clinical testing. Allele origin: germline.
Comment: This sequence change replaces serine with glycine at codon 140 of the NTHL1 protein (p.Ser140Gly). The serine residue is highly conserved and there is a small physicochemical difference between serine and glycine. This variant is not present in population databases (ExAC no frequency). This variant has not been reported in the literature in individuals with NTHL1-related conditions. Algorithms developed to predict the effect of missense changes on protein structure and function are either unavailable or do not agree on the potential impact of this missense change (SIFT: "Not Available"; PolyPhen-2: "Probably Damaging"; Align-GVGD: "Not Available"). In summary, the available evidence is currently insufficient to determine the role of this variant in disease. Therefore, it has been classified as a Variant of Uncertain Significance.